The following is an entry in ClinVar:

NM_170675.5(MEIS2):c.755-20642A>G

Gene: MEIS2 (Meis homeobox 2; minus strand). Cytogenetic location: 15q14.
Variant type: single nucleotide variant.
Coding change: c.755-20642A>G on transcript NM_170675.5 (MANE Select); 20642 bases into the intron before coding-DNA position 755, A replaced by G.
Molecular consequence: intron variant.
Genome position (GRCh38, 1-based): chr15:37,057,601, T>C on the plus strand (A>G on the coding strand, the complement: MEIS2 is on the minus strand). VCF-style: chr15-37057601-T-C. GRCh37 (hg19) VCF-style: chr15-37349802-T-C.
Other names: c.716-20642A>G (NM_002399.4, NM_172315.3); c.755-20642A>G (NM_001220482.2, NM_170676.5, NM_170674.5 and 1 more transcripts); c.491-20642A>G (NM_172316.3).
Identifiers: ClinVar variation 1296892 (VCV001296892.2), dbSNP rs1568679, ClinGen allele CA269144010.

ClinVar aggregate classification (germline): Benign (1 of 4 stars; one submission).

Allele frequency attached by ClinVar (database versions not stated): TOPMed 0.09530; gnomAD 0.09807 and 0.09819; 1000 Genomes Project 30x 0.10119; 1000 Genomes Project 0.10184.
gnomAD v4.1: 14,859 of 152,102 alleles (9.8%); highest among the groups gnomAD compares: East Asian, 14%; 821 homozygotes.

Submission:

GeneDx
Classification: Benign. Last evaluated: 2019-01-10. Review status: criteria provided, single submitter. Criteria: GeneDx Variant Classification Process June 2021. Collection method: clinical testing. Allele origin: germline. Affected: yes.
Comment: This variant is associated with the following publications: (PMID: 29518216)